The following is an entry in ClinVar:

NM_021098.3(CACNA1H):c.4651G>A (p.Val1551Met)

Gene: CACNA1H (calcium voltage-gated channel subunit alpha1 H; plus strand). Cytogenetic location: 16p13.3.
Variant type: single nucleotide variant.
Coding change: c.4651G>A on transcript NM_021098.3 (MANE Select); coding-DNA position 4651, G replaced by A.
Protein change: p.Val1551Met; replaces valine 1551 with methionine.
Molecular consequence: missense variant.
Genome position (GRCh38, 1-based): chr16:1,212,030, G>A. VCF-style: chr16-1212030-G-A. GRCh37 (hg19) VCF-style: chr16-1262030-G-A.
Other names: c.4651G>A, p.Val1551Met (NM_001005407.2); short protein forms V1551M.
Identifiers: ClinVar variation 460122 (VCV000460122.12), dbSNP rs369045626, ClinGen allele CA7801475.

ClinVar aggregate classification (germline): Likely benign. Review status: criteria provided, single submitter (1 of 4 stars). 2 submissions from 2 submitters: Likely benign (1). 1 of the submissions does not count toward it. Last evaluated 2023-09-03.

Conditions:
Hyperaldosteronism, familial, type IV (HALD4). Also called: FH IV; ALDOSTERONISM, PRIMARY, AND HYPERTENSION. Identifiers: Orphanet 642671, MedGen C4310756, MONDO:0014875, OMIM 617027.
Idiopathic generalized epilepsy. Also called: EIG; Generalised epilepsy. Identifiers: MedGen C0270850, MONDO:0005579, OMIM 600669.

Allele frequency attached by ClinVar (database versions not stated): gnomAD exomes 0.00002 and 0.00005; ExAC 0.00004; gnomAD 0.00004; TOPMed 0.00004; ESP Exome Variant Server 0.00008.
gnomAD v4.1: 34 of 1,613,302 alleles (0.0021%); highest among the groups gnomAD compares: Non-Finnish European, 0.00059%; no homozygotes.

Submissions (2):

Labcorp Genetics (formerly Invitae), Labcorp
Classification: Likely benign for Idiopathic generalized epilepsy; Hyperaldosteronism, familial, type IV. Last evaluated: 2023-09-03. Review status: criteria provided, single submitter. Criteria: Invitae Variant Classification Sherloc (09022015). Collection method: clinical testing. Allele origin: germline.

Department of Pathology and Laboratory Medicine, Sinai Health System
Classification: Uncertain significance. Review status: no assertion criteria provided. Collection method: clinical testing. Allele origin: unknown. Affected: yes. Study: The Canadian Open Genetics Repository (COGR). Not counted in ClinVar's aggregate classification.
Comment: The CACNA1H p.Val1551Met variant was not identified in the literature nor was it identified in Cosmic or LOVD 3.0. The variant was identified in dbSNP (ID: rs369045626) and in ClinVar (classified as uncertain significance by Invitae for Idiopathic generalized epilepsy and Hyperaldosteronism, familial, type IV). The variant was also identified in control databases in 13 of 248988 chromosomes at a frequency of 0.000052 (Genome Aggregation Database Feb 27, 2017). The variant was observed in the following populations: Ashkenazi Jewish in 10 of 10058 chromosomes (freq: 0.000994), Other in 2 of 6048 chromosomes (freq: 0.000331) and East Asian in 1 of 17972 chromosomes (freq: 0.000056), but was not observed in the African, Latino, European (Finnish), European (non-Finnish) or South Asian populations. The p.Val1551 residue is conserved in mammals and computational analyses (PolyPhen-2, SIFT, AlignGVGD, BLOSUM, MutationTaster) provide inconsistent predictions regarding the impact to the protein; this information is not very predictive of pathogenicity. The variant occurs outside of the splicing consensus sequence and in silico or computational prediction software programs (SpliceSiteFinder, MaxEntScan, NNSPLICE, GeneSplicer) do not predict a difference in splicing. In summary, based on the above information the clinical significance of this variant cannot be determined with certainty at this time. This variant is classified as a variant of uncertain significance.